The following is an entry in ClinVar:

ClinVar aggregate classification (germline): Uncertain significance. Review status: criteria provided, multiple submitters, no conflicts (2 of 4 stars). 2 submissions from 2 submitters: Uncertain significance (2). Last evaluated 2026-07-01.

Conditions:
Spastic paraplegia. Identifiers: MedGen C0037772, HP:0001258.

Allele frequency attached by ClinVar (database versions not stated): ExAC 0.00001; TOPMed 0.00003; gnomAD 0.00005; ESP Exome Variant Server 0.00008.
gnomAD v4.1: 11 of 1,614,082 alleles (0.00068%); highest among the groups gnomAD compares: African/African-American, 0.015%; no homozygotes.

Submissions (2):

CeGaT Center for Human Genetics Tuebingen
Classification: Uncertain significance. Last evaluated: 2026-07-01. Review status: criteria provided, single submitter. Criteria: CeGaT Center For Human Genetics Tuebingen Variant Classification Criteria Version 2. Collection method: clinical testing. Allele origin: germline. Affected: yes. Observed: 1 variant allele.
Comment: HSPD1: PM2

Labcorp Genetics (formerly Invitae), Labcorp
Classification: Uncertain significance for Spastic paraplegia. Last evaluated: 2023-07-10. Review status: criteria provided, single submitter. Criteria: Invitae Variant Classification Sherloc (09022015). Collection method: clinical testing. Allele origin: germline.
Comment: ClinVar contains an entry for this variant (Variation ID: 2137083). This variant has not been reported in the literature in individuals affected with HSPD1-related conditions. This variant is present in population databases (rs377646493, gnomAD 0.01%). This sequence change replaces histidine, which is basic and polar, with aspartic acid, which is acidic and polar, at codon 21 of the HSPD1 protein (p.His21Asp). An algorithm developed to predict the effect of missense changes on protein structure and function (PolyPhen-2) suggests that this variant is likely to be tolerated. In summary, the available evidence is currently insufficient to determine the role of this variant in disease. Therefore, it has been classified as a Variant of Uncertain Significance.

NM_002156.5(HSPD1):c.61C>G (p.His21Asp)

Gene: HSPD1 (heat shock protein family D (Hsp60) member 1; minus strand). Cytogenetic location: 2q33.1.
Variant type: single nucleotide variant.
Coding change: c.61C>G on transcript NM_002156.5 (MANE Select); coding-DNA position 61, C replaced by G.
Protein change: p.His21Asp; replaces histidine 21 with aspartic acid.
Molecular consequence: missense variant.
Genome position (GRCh38, 1-based): chr2:197,498,788, G>C on the plus strand (C>G on the coding strand, the complement: HSPD1 is on the minus strand). VCF-style: chr2-197498788-G-C. GRCh37 (hg19) VCF-style: chr2-198363512-G-C.
Other names: c.61C>G, p.His21Asp (NM_199440.2); short protein forms H21D.
Identifiers: ClinVar variation 2137083 (VCV002137083.5), dbSNP rs377646493, ClinGen allele CA2043692.